The following is an entry in ClinVar:

ClinVar aggregate classification (germline): Uncertain significance. Review status: criteria provided, multiple submitters, no conflicts (2 of 4 stars). 2 submissions from 2 submitters: Uncertain significance (2). Last evaluated 2025-09-10.

Conditions:
Classic or attenuated familial adenomatous polyposis. Identifiers: MedGen CN372698, MONDO:0021057.
Familial adenomatous polyposis 1 (FAP1). Also called: FAMILIAL ADENOMATOUS POLYPOSIS 1, ATTENUATED; POLYPOSIS, ADENOMATOUS INTESTINAL. Identifiers: MedGen C2713442, MONDO:0021056, OMIM 175100. Disease mechanism: loss of function.

Allele frequency attached by ClinVar (database versions not stated): TOPMed below 0.00001.

Submissions (2):

Labcorp Genetics (formerly Invitae), Labcorp
Classification: Uncertain significance for Familial adenomatous polyposis 1. Last evaluated: 2025-09-10. Review status: criteria provided, single submitter. Criteria: Invitae Variant Classification Sherloc (09022015). Collection method: clinical testing. Allele origin: germline.
Comment: This variant occurs in a non-coding region of the APC gene. It does not change the encoded amino acid sequence of the APC protein. This variant is not present in population databases (gnomAD no frequency). This variant has not been reported in the literature in individuals affected with APC-related conditions. Experimental studies and prediction algorithms are not available or were not evaluated, and the functional significance of this variant is currently unknown. In summary, the available evidence is currently insufficient to determine the role of this variant in disease. Therefore, it has been classified as a Variant of Uncertain Significance.

Department of Pathology and Laboratory Medicine, Sinai Health System
Classification: Uncertain significance for classic or attenuated familial adenomatous polyposis. Last evaluated: 2023-01-11. Review status: criteria provided, single submitter. Criteria: ACMG Guidelines, 2015. Collection method: research. Allele origin: germline.

NM_001127511.3(APC):c.161G>C (p.Trp54Ser)

Gene: APC (APC regulator of Wnt signaling pathway; plus strand). Cytogenetic location: 5q22.2.
Variant type: single nucleotide variant.
Coding change: c.161G>C on transcript NM_001127511.3; coding-DNA position 161, G replaced by C.
Protein change: p.Trp54Ser; replaces tryptophan 54 with serine.
Molecular consequence: missense variant. On other transcripts: 5 prime UTR variant (8), non-coding transcript variant (1), intron variant (5).
Genome position (GRCh38, 1-based): chr5:112,707,878, G>C. VCF-style: chr5-112707878-G-C. GRCh37 (hg19) VCF-style: chr5-112043575-G-C.
Other names: c.-23G>C (NM_001354895.2, NM_001407447.1, NM_001407452.1 and 3 more transcripts); c.161G>C, p.Trp54Ser (NM_001354897.2, NM_001354902.2, NM_001407446.1); c.-1058G>C (NM_001407470.1, NM_001407472.1); c.-19+229G>C (NM_001407448.1, NM_001407450.1, NM_001407457.1 and 1 more transcripts); c.-43+229G>C (NM_001407453.1); short protein forms W54S.
Identifiers: ClinVar variation 1372129 (VCV001372129.8), dbSNP rs1750617951, ClinGen allele CA360612212.
Genomic context (GRCh38, chr5:112,707,878, plus strand): 5'-TCCGGCAGGAGACGAAGAGCCCGGGCGGCGCTCGTACTTCTGGCCACTGGGCGAGCGTCT[G>C]GCAGGTGAGTGAGGCTGCAGGCATTGACGTCTCCTCCCGGCAAAGCTTCCTCGGCTTTGC-3'